The following is an entry in ClinVar:

ClinVar aggregate classification (germline): Conflicting classifications of pathogenicity. Review status: criteria provided, conflicting classifications (1 of 4 stars). 3 submissions from 3 submitters: Uncertain significance (2); Likely benign (1). Last evaluated 2025-01-23.

Conditions:
RASopathy. Also called: Noonan spectrum disorder; rasopathies. Identifiers: Orphanet 536391, MedGen C5555857, MONDO:0021060.
Cardiovascular phenotype. Identifiers: MedGen CN230736.

Allele frequency attached by ClinVar (database versions not stated): ExAC 0.00001.
gnomAD v4.1: 23 of 1,614,204 alleles (0.0014%); highest among the groups gnomAD compares: East Asian, 0.049%; no homozygotes.

Submissions (3):

Ambry Genetics
Classification: Uncertain significance for Cardiovascular phenotype. Last evaluated: 2025-01-23. Review status: criteria provided, single submitter. Criteria: Ambry Variant Classification Scheme 2023. Collection method: clinical testing. Allele origin: germline.
Comment: The p.S794F variant (also known as c.2381C>T), located in coding exon 15 of the CBL gene, results from a C to T substitution at nucleotide position 2381. The serine at codon 794 is replaced by phenylalanine, an amino acid with highly dissimilar properties. This amino acid position is conserved. In addition, this alteration is predicted to be tolerated by in silico analysis. Based on the available evidence, the clinical significance of this variant remains unclear.

Labcorp Genetics (formerly Invitae), Labcorp
Classification: Likely benign for RASopathy. Last evaluated: 2023-08-30. Review status: criteria provided, single submitter. Criteria: Invitae Variant Classification Sherloc (09022015). Collection method: clinical testing. Allele origin: germline.

Women's Health and Genetics/Laboratory Corporation of America, LabCorp
Classification: Uncertain significance. Last evaluated: 2021-11-22. Review status: criteria provided, single submitter. Criteria: LabCorp Variant Classification Summary - May 2015. Collection method: clinical testing. Allele origin: germline.
Comment: Variant summary: CBL c.2381C>T (p.Ser794Phe) results in a non-conservative amino acid change in the encoded protein sequence. Four of five in-silico tools predict a damaging effect of the variant on protein function. The variant allele was found at a frequency of 2.4e-05 in 251470 control chromosomes. The available data on variant occurrences in the general population are insufficient to allow any conclusion about variant significance. To our knowledge, no occurrence of c.2381C>T in individuals affected with Noonan Syndrome And Related Conditions and no experimental evidence demonstrating its impact on protein function have been reported. No clinical diagnostic laboratories have submitted clinical-significance assessments for this variant to ClinVar after 2014. Based on the evidence outlined above, the variant was classified as uncertain significance.

NM_005188.4(CBL):c.2381C>T (p.Ser794Phe)

Gene: CBL (Cbl proto-oncogene; plus strand). Cytogenetic location: 11q23.3.
Variant type: single nucleotide variant.
Coding change: c.2381C>T on transcript NM_005188.4 (MANE Select); coding-DNA position 2381, C replaced by T.
Protein change: p.Ser794Phe; replaces serine 794 with phenylalanine.
Molecular consequence: missense variant.
Genome position (GRCh38, 1-based): chr11:119,298,487, C>T. VCF-style: chr11-119298487-C-T. GRCh37 (hg19) VCF-style: chr11-119169197-C-T.
Other names: c.2381C>T (NM_005188.2); short protein forms S794F.
Identifiers: ClinVar variation 1329020 (VCV001329020.5), dbSNP rs201620100, ClinGen allele CA6318764.
Genomic context (GRCh38, chr11:119,298,487, plus strand): 5'-ATGATGTCCCAAAGCCACCTGTGCCGGCCGTGCTGGCCCGCCGAACTCTCTCAGATATCT[C>T]TAATGCCAGCTCCTCCTTTGGCTGGTTGTCTCTGGATGGTGATCCTACAACAAGTGAGTC-3'
Protein context (NP_005179.2, residues 784-804): VLARRTLSDI[Ser794Phe]NASSSFGWLS